The following is an entry in ClinVar:

NM_000256.3(MYBPC3):c.3257G>A (p.Trp1086Ter)

Gene: MYBPC3 (myosin binding protein C3; minus strand). Cytogenetic location: 11p11.2.
Variant type: single nucleotide variant.
Coding change: c.3257G>A on transcript NM_000256.3 (MANE Select); coding-DNA position 3257, G replaced by A.
Protein change: p.Trp1086Ter; replaces tryptophan 1086 with a stop codon.
Molecular consequence: nonsense.
Genome position (GRCh38, 1-based): chr11:47,333,267, C>T on the plus strand (G>A on the coding strand, the complement: MYBPC3 is on the minus strand). VCF-style: chr11-47333267-C-T. GRCh37 (hg19) VCF-style: chr11-47354818-C-T.
Other names: c.3257G>A, p.Trp1086Ter (LRG_386t1); short protein forms W1086*.
Identifiers: ClinVar variation 373084 (VCV000373084.6), dbSNP rs779650200, ClinGen allele CA079249.

ClinVar aggregate classification (germline): Pathogenic. Review status: criteria provided, multiple submitters, no conflicts (2 of 4 stars). 4 submissions from 4 submitters: Pathogenic (3). 1 of the submissions does not count toward it. Last evaluated 2023-06-16.

Conditions:
Hypertrophic cardiomyopathy. Also called: HYPERTROPHIC MYOCARDIOPATHY. Identifiers: Orphanet 217569, MedGen C0007194, MeSH D002312, MONDO:0005045, HP:0001639.
MYBPC3-related disorder. Also called: MYBPC3-related disorders; MYBPC3-related condition; MYBPC3-related disease.
Cardiomyopathy (CMYO). Also called: Cardiomyopathies. Identifiers: Orphanet 167848, MedGen C0878544, MONDO:0004994, HP:0001638. Inheritance: Various modes of inheritance.

Allele frequency attached by ClinVar (database versions not stated): ExAC 0.00002.

Submissions (4):

CHEO Genetics Diagnostic Laboratory, Children's Hospital of Eastern Ontario
Classification: Pathogenic for Cardiomyopathy. Last evaluated: 2023-06-16. Review status: criteria provided, single submitter. Criteria: ACMG Guidelines, 2015. Collection method: clinical testing. Allele origin: germline.

Blueprint Genetics
Classification: Pathogenic for MYBPC3-related disorders. Last evaluated: 2018-07-13. Review status: criteria provided, single submitter. Criteria: ACMG Guidelines, 2015. Collection method: clinical testing. Allele origin: germline. Affected: yes. Observed: 1 variant allele.

GeneDx
Classification: Pathogenic. Last evaluated: 2016-11-01. Review status: criteria provided, single submitter. Criteria: GeneDx Variant Classification (06012015). Collection method: clinical testing. Allele origin: germline. Affected: yes.
Comment: The W1086X variant in the MYBPC3 gene has not been reported as a pathogenic variant or as a benign variant to our knowledge. However, a different nucleotide change resulting in the same nonsense variant (c.3258G>A, p.W1086X) has previously been reported in an individual diagnosed with HCM (Murphy et al., 2016). W1086X is predicted to cause loss of normal protein function either by protein truncation or nonsense-mediated mRNA decay. Multiple other downstream nonsense variants in the MYBPC3 gene have been reported in the Human Gene Mutation Database in association with HCM (Stenson et al., 2014). Furthermore, the W1086X pathogenic variant was not observed in approximately 6,100 individuals of European and African American ancestry in the NHLBI Exome Sequencing Project, indicating it is not a common benign variant in these populations.In summary, W1086X in the MYBPC3 gene is interpreted as a pathogenic variant.

Agnes Ginges Centre for Molecular Cardiology, Centenary Institute
Classification: Pathogenic for Hypertrophic cardiomyopathy. Last evaluated: 2020-04-06. Review status: no assertion criteria provided. Collection method: research. Allele origin: germline. Inheritance: Autosomal dominant inheritance. Affected: yes. Not counted in ClinVar's aggregate classification.
Comment: This variant has been identified as part of our research program. For further information please feel free to contact us.

Literature cited by the submitters: PubMed 27532257 (cited by Agnes Ginges Centre for Molecular Cardiology, Centenary Institute); PubMed 25351510 (cited by Agnes Ginges Centre for Molecular Cardiology, Centenary Institute).